The following is an entry in ClinVar:

NM_005993.5(TBCD):c.3282-5G>A

Gene: TBCD (tubulin folding cofactor D). Cytogenetic location: 17q25.3.
Variant type: single nucleotide variant.
Coding change: c.3282-5G>A on transcript NM_005993.5 (MANE Select); 5 bases into the intron before coding-DNA position 3282, G replaced by A.
Molecular consequence: intron variant.
Genome position (GRCh38, 1-based): chr17:82,938,044, G>A. VCF-style: chr17-82938044-G-A. GRCh37 (hg19) VCF-style: chr17-80895920-G-A.
Identifiers: ClinVar variation 713026 (VCV000713026.32), dbSNP rs372010263, ClinGen allele CA8863557.

ClinVar aggregate classification (germline): Benign/Likely benign. Review status: criteria provided, multiple submitters, no conflicts (2 of 4 stars). 3 submissions from 3 submitters: Benign (2); Likely benign (1). Last evaluated 2026-01-31.

Allele frequency attached by ClinVar (database versions not stated): TOPMed 0.00051; gnomAD 0.00061; ESP Exome Variant Server 0.00071; gnomAD exomes 0.00107 and 0.00142; 1000 Genomes Project 30x 0.00109; 1000 Genomes Project 0.00140; ExAC 0.00172.
gnomAD v4.1: 1,693 of 1,612,930 alleles (0.1%); highest among the groups gnomAD compares: South Asian, 0.78%; 18 homozygotes.

Submissions (3):

Labcorp Genetics (formerly Invitae), Labcorp
Classification: Benign. Last evaluated: 2026-01-31. Review status: criteria provided, single submitter. Criteria: Invitae Variant Classification Sherloc (09022015). Collection method: clinical testing. Allele origin: germline.

Women's Health and Genetics/Laboratory Corporation of America, LabCorp
Classification: Benign. Last evaluated: 2025-11-03. Review status: criteria provided, single submitter. Criteria: LabCorp Variant Classification Summary - May 2015. Collection method: clinical testing. Allele origin: germline.
Comment: Variant summary: TBCD c.3282-5G>A alters a nucleotide located at a position not widely known to affect splicing. Several computational tools predict a significant impact on normal splicing: Four predict the variant weakens a 3' acceptor site. Three predict the variant creates a 3' acceptor site. However, these predictions have yet to be confirmed by functional studies. The variant allele was found at a frequency of 0.0014 in 247316 control chromosomes, predominantly at a frequency of 0.008 within the South Asian subpopulation in the gnomAD database, including 6 homozygotes. The observed variant frequency within South Asian control individuals in the gnomAD database exceeds the estimated maximal expected allele frequency for disease-causing variants in TBCD. To our knowledge, no occurrence of c.3282-5G>A in individuals affected with TBCD-related conditions and no experimental evidence demonstrating its impact on protein function have been reported. ClinVar contains an entry for this variant (Variation ID: 713026). Based on the evidence outlined above, the variant was classified as benign.

CeGaT Center for Human Genetics Tuebingen
Classification: Likely benign. Last evaluated: 2023-11-01. Review status: criteria provided, single submitter. Criteria: CeGaT Center For Human Genetics Tuebingen Variant Classification Criteria Version 2. Collection method: clinical testing. Allele origin: germline. Affected: yes. Observed: 1 variant allele.
Comment: TBCD: PP3, BS2